The following is an entry in ClinVar:

ClinVar aggregate classification (germline): Uncertain significance (1 of 4 stars; one submission).

Submission:

GeneDx
Classification: Uncertain significance. Last evaluated: 2024-04-15. Review status: criteria provided, single submitter. Criteria: GeneDx Variant Classification Process June 2021. Collection method: clinical testing. Allele origin: germline. Affected: yes.
Comment: Not observed at significant frequency in large population cohorts (gnomAD); In silico analysis indicates that this missense variant does not alter protein structure/function; Has not been previously published as pathogenic or benign to our knowledge

NM_006767.4(LZTR1):c.1472C>T (p.Pro491Leu)

Gene: LZTR1 (leucine zipper like post translational regulator 1; plus strand). Cytogenetic location: 22q11.21.
Variant type: single nucleotide variant.
Coding change: c.1472C>T on transcript NM_006767.4 (MANE Select); coding-DNA position 1472, C replaced by T.
Protein change: p.Pro491Leu; replaces proline 491 with leucine.
Molecular consequence: missense variant.
Genome position (GRCh38, 1-based): chr22:20,994,126, C>T. VCF-style: chr22-20994126-C-T. GRCh37 (hg19) VCF-style: chr22-21348415-C-T.
Other names: short protein forms P491L.
Identifiers: ClinVar variation 3372613 (VCV003372613.1).